The following is an entry in ClinVar:

NM_020632.3(ATP6V0A4):c.1629G>A (p.Met543Ile)

Gene: ATP6V0A4 (ATPase H+ transporting V0 subunit a4; minus strand). Cytogenetic location: 7q34.
Variant type: single nucleotide variant.
Coding change: c.1629G>A on transcript NM_020632.3 (MANE Select); coding-DNA position 1629, G replaced by A.
Protein change: p.Met543Ile; replaces methionine 543 with isoleucine.
Molecular consequence: missense variant.
Genome position (GRCh38, 1-based): chr7:138,734,198, C>T on the plus strand (G>A on the coding strand, the complement: ATP6V0A4 is on the minus strand). VCF-style: chr7-138734198-C-T. GRCh37 (hg19) VCF-style: chr7-138418943-C-T.
Other names: c.1629G>A, p.Met543Ile (NM_130840.3, NM_130841.3); short protein forms M543I.
Identifiers: ClinVar variation 2055977 (VCV002055977.4), dbSNP rs2485842285, ClinGen allele CA369379771.
Genomic context (GRCh38, chr7:138,734,198, plus strand): 5'-GTGATTGAAAAGGCTGAGGATGACACCGAAAACCATCTGGACAATTCCCAGGATCACCGA[C>T]ATCTTCATTTTATACGAGTTCAGAAATGTGAGTTTGTTTGAAGCCAAGTTCCAAATCTGG-3'
Protein context (NP_065683.2, residues 533-553): LTFLNSYKMK[Met543Ile]SVILGIVQMV

ClinVar aggregate classification (germline): Uncertain significance (1 of 4 stars; one submission).

Submission:

Labcorp Genetics (formerly Invitae), Labcorp
Classification: Uncertain significance. Last evaluated: 2021-12-23. Review status: criteria provided, single submitter. Criteria: Invitae Variant Classification Sherloc (09022015). Collection method: clinical testing. Allele origin: germline.
Comment: This sequence change replaces methionine, which is neutral and non-polar, with isoleucine, which is neutral and non-polar, at codon 543 of the ATP6V0A4 protein (p.Met543Ile). In summary, the available evidence is currently insufficient to determine the role of this variant in disease. Therefore, it has been classified as a Variant of Uncertain Significance. Algorithms developed to predict the effect of missense changes on protein structure and function are either unavailable or do not agree on the potential impact of this missense change (SIFT: "Tolerated"; PolyPhen-2: "Probably Damaging"; Align-GVGD: "Class C0"). This variant has not been reported in the literature in individuals affected with ATP6V0A4-related conditions. This variant is not present in population databases (gnomAD no frequency).